The following is an entry in ClinVar:

NM_006493.2(CLN5):c.-11G>C

Gene: CLN5 (CLN5 lysosomal BMP synthase; plus strand). Cytogenetic location: 13q22.3.
Variant type: single nucleotide variant.
Coding change: c.-11G>C on transcript NM_006493.2; 11 bases upstream of the start codon, G replaced by C.
Genome position (GRCh38, 1-based): chr13:76,991,941, G>C. VCF-style: chr13-76991941-G-C. GRCh37 (hg19) VCF-style: chr13-77566076-G-C.
Identifiers: ClinVar variation 383692 (VCV000383692.3), dbSNP rs554524153, ClinGen allele CA7007060.

ClinVar aggregate classification (germline): Likely benign (1 of 4 stars; one submission).

Allele frequency attached by ClinVar (database versions not stated): TOPMed 0.00004; gnomAD 0.00006 and 0.00007; gnomAD exomes 0.00007; ExAC 0.00015; 1000 Genomes Project 0.00020; 1000 Genomes Project 30x 0.00031.

Submission:

GeneDx
Classification: Likely benign. Last evaluated: 2017-03-31. Review status: criteria provided, single submitter. Criteria: GeneDx Variant Classification (06012015). Collection method: clinical testing. Allele origin: germline. Affected: yes.
Comment: This variant is considered likely benign or benign based on one or more of the following criteria: it is a conservative change, it occurs at a poorly conserved position in the protein, it is predicted to be benign by multiple in silico algorithms, and/or has population frequency not consistent with disease.